The following is an entry in ClinVar:

ClinVar aggregate classification (germline): Likely pathogenic (1 of 4 stars; one submission).

Allele frequency attached by ClinVar (database versions not stated): ESP Exome Variant Server 0.00008.
gnomAD v4.1: 5 of 1,613,546 alleles (0.00031%); highest among the groups gnomAD compares: Non-Finnish European, 0.00042%; no homozygotes.

Submission:

Labcorp Genetics (formerly Invitae), Labcorp
Classification: Likely pathogenic. Last evaluated: 2021-10-18. Review status: criteria provided, single submitter. Criteria: Invitae Variant Classification Sherloc (09022015). Collection method: clinical testing. Allele origin: germline.
Comment: This variant is not present in population databases (ExAC no frequency). This sequence change replaces arginine with leucine at codon 765 of the ABCC6 protein (p.Arg765Leu). The arginine residue is highly conserved and there is a moderate physicochemical difference between arginine and leucine. This variant has not been reported in the literature in individuals affected with ABCC6-related conditions. Advanced modeling of protein sequence and biophysical properties (such as structural, functional, and spatial information, amino acid conservation, physicochemical variation, residue mobility, and thermodynamic stability) performed at Invitae indicates that this missense variant is expected to disrupt ABCC6 protein function. This variant disrupts the p.Arg765 amino acid residue in ABCC6. Other variant(s) that disrupt this residue have been determined to be pathogenic (PMID: 12673275, 30805891; Invitae). This suggests that this residue is clinically significant, and that variants that disrupt this residue are likely to be disease-causing. In summary, the currently available evidence indicates that the variant is pathogenic, but additional data are needed to prove that conclusively. Therefore, this variant has been classified as Likely Pathogenic.

Literature cited by the submitters: PubMed 12673275; PubMed 30805891.

NM_001171.6(ABCC6):c.2294G>T (p.Arg765Leu)

Gene: ABCC6 (ATP binding cassette subfamily C member 6; minus strand). Cytogenetic location: 16p13.11.
Variant type: single nucleotide variant.
Coding change: c.2294G>T on transcript NM_001171.6 (MANE Select); coding-DNA position 2294, G replaced by T.
Protein change: p.Arg765Leu; replaces arginine 765 with leucine.
Molecular consequence: missense variant. On other transcripts: non-coding transcript variant (1).
Genome position (GRCh38, 1-based): chr16:16,178,919, C>A on the plus strand (G>T on the coding strand, the complement: ABCC6 is on the minus strand). VCF-style: chr16-16178919-C-A. GRCh37 (hg19) VCF-style: chr16-16272776-C-A.
Other names: c.1952G>T, p.Arg651Leu (NM_001351800.1); short protein forms R651L, R765L.
Identifiers: ClinVar variation 1520297 (VCV001520297.6), dbSNP rs67561842, ClinGen allele CA278645385.
Genomic context (GRCh38, chr16:16,178,919, plus strand): 5'-GCATCCAGGGCCGCCAGGGGGTCATCCAGCAGGTACACAGCTGCCTTTCTGTATACAGCC[C>A]GGGCCAGGCTCAGCCGCTGCTTCTGGCCTCCGGAGAGATTCATGCCCTGTGGCCACAAAA-3'
Protein context (NP_001162.5, residues 755-775): GGQKQRLSLA[Arg765Leu]AVYRKAAVYL